The following is an entry in ClinVar:

ClinVar aggregate classification (germline): Uncertain significance. Review status: criteria provided, multiple submitters, no conflicts (2 of 4 stars). 4 submissions from 4 submitters: Uncertain significance (4). Last evaluated 2025-11-25.

Conditions:
Hereditary cancer-predisposing syndrome. Also called: Hereditary Cancer Syndrome; Neoplastic Syndromes, Hereditary; Tumor predisposition; Hereditary neoplastic syndrome. Identifiers: Orphanet 140162, MedGen C0027672, MeSH D009386, MONDO:0015356.
Familial cancer of breast. Also called: BREAST CANCER, FAMILIAL; Hereditary breast cancer; hereditary breast carcinoma. Identifiers: Orphanet 227535, MedGen C0346153, MONDO:0016419, OMIM 114480. Disease mechanism: loss of function.
Fanconi anemia complementation group J. Also called: BRIP1-Related Fanconi Anemia. Identifiers: Orphanet 84, MedGen C1836860, MONDO:0012187, OMIM 609054.

Allele frequency attached by ClinVar (database versions not stated): gnomAD exomes below 0.00001.
gnomAD v4.1: 3 of 1,613,302 alleles (0.00019%); highest among the groups gnomAD compares: Non-Finnish European, 0.00017%; no homozygotes.

Submissions (4):

Labcorp Genetics (formerly Invitae), Labcorp
Classification: Uncertain significance for Familial cancer of breast; Fanconi anemia complementation group J. Last evaluated: 2025-11-25. Review status: criteria provided, single submitter. Criteria: Invitae Variant Classification Sherloc (09022015). Collection method: clinical testing. Allele origin: germline.
Comment: This sequence change replaces isoleucine, which is neutral and non-polar, with phenylalanine, which is neutral and non-polar, at codon 1130 of the BRIP1 protein (p.Ile1130Phe). This variant is not present in population databases (gnomAD no frequency). This variant has not been reported in the literature in individuals affected with BRIP1-related conditions. ClinVar contains an entry for this variant (Variation ID: 185905). Invitae Evidence Modeling of protein sequence and biophysical properties (such as structural, functional, and spatial information, amino acid conservation, physicochemical variation, residue mobility, and thermodynamic stability) indicates that this missense variant is not expected to disrupt BRIP1 protein function with a negative predictive value of 95%. In summary, the available evidence is currently insufficient to determine the role of this variant in disease. Therefore, it has been classified as a Variant of Uncertain Significance.

Ambry Genetics
Classification: Uncertain significance for Hereditary cancer-predisposing syndrome. Last evaluated: 2024-11-30. Review status: criteria provided, single submitter. Criteria: Ambry Variant Classification Scheme 2023. Collection method: clinical testing. Allele origin: germline.
Comment: The p.I1130F variant (also known as c.3388A>T), located in coding exon 19 of the BRIP1 gene, results from an A to T substitution at nucleotide position 3388. The isoleucine at codon 1130 is replaced by phenylalanine, an amino acid with highly similar properties. This amino acid position is not well conserved in available vertebrate species. In addition, this alteration is predicted to be tolerated by in silico analysis. Since supporting evidence is limited at this time, the clinical significance of this alteration remains unclear.

Baylor Genetics
Classification: Uncertain significance for Familial cancer of breast. Last evaluated: 2024-01-24. Review status: criteria provided, single submitter. Criteria: ACMG Guidelines, 2015. Collection method: clinical testing. Allele origin: unknown.

Color Diagnostics, LLC DBA Color Health
Classification: Uncertain significance for Hereditary cancer-predisposing syndrome. Last evaluated: 2023-10-11. Review status: criteria provided, single submitter. Criteria: ACMG Guidelines, 2015. Collection method: clinical testing. Allele origin: germline.
Comment: This missense variant replaces isoleucine with phenylalanine at codon 1130 of the BRIP1 protein. Computational prediction suggests that this variant may not impact protein structure and function (internally defined REVEL score threshold <= 0.5, PMID: 27666373). To our knowledge, functional studies have not been reported for this variant. This variant has not been reported in individuals affected with BRIP1-related disorders in the literature. This variant has not been identified in the general population by the Genome Aggregation Database (gnomAD). The available evidence is insufficient to determine the role of this variant in disease conclusively. Therefore, this variant is classified as a Variant of Uncertain Significance.

NM_032043.3(BRIP1):c.3388A>T (p.Ile1130Phe)

Gene: BRIP1 (BRCA1 interacting DNA helicase 1; minus strand). Cytogenetic location: 17q23.2.
Variant type: single nucleotide variant.
Coding change: c.3388A>T on transcript NM_032043.3 (MANE Select); coding-DNA position 3388, A replaced by T.
Protein change: p.Ile1130Phe; replaces isoleucine 1130 with phenylalanine.
Molecular consequence: missense variant.
Genome position (GRCh38, 1-based): chr17:61,683,658, T>A on the plus strand (A>T on the coding strand, the complement: BRIP1 is on the minus strand). VCF-style: chr17-61683658-T-A. GRCh37 (hg19) VCF-style: chr17-59761019-T-A.
Other names: short protein forms I1130F.
Identifiers: ClinVar variation 185905 (VCV000185905.11), dbSNP rs786202549, ClinGen allele CA193321.
Genomic context (GRCh38, chr17:61,683,658, plus strand): 5'-CTAGGTCATTTTTTTCTTCATCTGTATCTTCAGGATCATAAAGTTCAGGTGTAAAATAGA[T>A]AGATTCATCTTCTGCTTCTGTTTCAAAATCTCTATTTGAAGTGGACTGTTTATCTTCTTC-3'
Protein context (NP_114432.2, residues 1120-1140): DFETEAEDES[Ile1130Phe]YFTPELYDPE